The following is an entry in ClinVar:

NM_005912.3(MC4R):c.899T>C (p.Leu300Pro)

Gene: MC4R (melanocortin 4 receptor; minus strand). Cytogenetic location: 18q21.32.
Variant type: single nucleotide variant.
Coding change: c.899T>C on transcript NM_005912.3 (MANE Select); coding-DNA position 899, T replaced by C.
Protein change: p.Leu300Pro; replaces leucine 300 with proline.
Molecular consequence: missense variant.
Genome position (GRCh38, 1-based): chr18:60,371,451, A>G on the plus strand (T>C on the coding strand, the complement: MC4R is on the minus strand). VCF-style: chr18-60371451-A-G. GRCh37 (hg19) VCF-style: chr18-58038684-A-G.
Other names: c.899T>C (NM_005912.2); short protein forms L300P.
Identifiers: ClinVar variation 2584829 (VCV002584829.6), dbSNP rs1326028718, ClinGen allele CA402718836.

ClinVar aggregate classification (germline): Uncertain significance. Review status: criteria provided, multiple submitters, no conflicts (2 of 4 stars). 5 submissions from 5 submitters: Uncertain significance (5). Last evaluated 2026-06-30.

Conditions:
MC4R-related disorder. Also called: MC4R-related condition.
Early onset severe obesity. Identifiers: MedGen C4013980.
BODY MASS INDEX QUANTITATIVE TRAIT LOCUS 20 (BMIQ20). Also called: MELANOCORTIN 4 RECEPTOR DEFICIENCY; MC4R DEFICIENCY. Identifiers: MedGen C4759928, OMIM 618406.

Allele frequency attached by ClinVar (database versions not stated): gnomAD exomes below 0.00001; TOPMed below 0.00001.
gnomAD v4.1: 6 of 1,614,190 alleles (0.00037%); highest among the groups gnomAD compares: South Asian, 0.0066%; no homozygotes.

Submissions (5):

PreventionGenetics, part of Exact Sciences
Classification: Uncertain significance for MC4R-related condition. Last evaluated: 2026-06-30. Review status: criteria provided, single submitter. Criteria: ACMG Guidelines, 2015. Collection method: clinical testing. Allele origin: germline.
Comment: The MC4R c.899T>C variant is predicted to result in the amino acid substitution p.Leu300Pro. This variant has been reported in an individual of normal weight (Table 2, Namjou et al. 2021. PubMed ID: 32952152). This variant has been reported as a null Mc4r allele in a laboratory mouse strain referred to as "Southbeach" that exhibits severe obesity due to hyperphagia and decreased energy expenditure (Meehan et al. 2006. PubMed ID: 17143585). In vitro functional studies suggest this variant results in reduced protein surface expression and ligand binding (Table 1-3, Wang and Tao. 2011. PubMed ID: 21729752; Table 1, He and Tao. 2014. PubMed ID: 25332687; Table 3, Wang et al. 2017. PubMed ID: 28284973). This variant is reported in 2 of ~251,000 alleles in gnomAD. Although we suspect that this variant may be pathogenic, at this time, the clinical significance of this variant is uncertain due to the absence of conclusive functional and genetic evidence.

Cambridge Genomics Laboratory, East Genomic Laboratory Hub, NHS Genomic Medicine Service
Classification: Uncertain significance for Severe early-onset obesity. Last evaluated: 2025-09-18. Review status: criteria provided, single submitter. Criteria: ACGS Best Practice Guidelines for Variant Classification in Rare Disease 2020. Collection method: clinical testing. Allele origin: germline. Affected: yes.
Comment: PS3_Supporting,PS4_Supporting,PM1_Supporting,PM2

Blueprint Genetics
Classification: Uncertain significance. Last evaluated: 2020-09-02. Review status: criteria provided, single submitter. Criteria: ACMG Guidelines, 2015. Collection method: clinical testing. Allele origin: germline.

Department of Pathology and Laboratory Medicine, Sinai Health System
Classification: Uncertain significance for BODY MASS INDEX QUANTITATIVE TRAIT LOCUS 20. Last evaluated: 2020-07-18. Review status: criteria provided, single submitter. Criteria: ACMG Guidelines, 2015. Collection method: research. Allele origin: germline.

Neuberg Centre For Genomic Medicine, NCGM
Classification: Uncertain significance for BODY MASS INDEX QUANTITATIVE TRAIT LOCUS 20. Review status: criteria provided, single submitter. Criteria: ACMG Guidelines, 2015. Collection method: clinical testing. Allele origin: germline. Inheritance: Autosomal dominant inheritance. Affected: yes.
Comment: The missense variant c.899T>C (p.Leu300Pro) in MC4R gene has not been reported previously as a pathogenic variant nor as a benign variant, to our knowledge. The p.Leu300Pro variant is novel (not in any individuals) in 1000 Genomes and allele frequency of 0.0007955% is reported in gnomAD. The amino acid Leu at position 300 is changed to a Pro changing protein sequence and it might alter its composition and physico-chemical properties. The amino acid change p.Leu300Pro in MC4R is predicted as conserved by GERP++ and PhyloP across 100 vertebrates. For these reasons, this variant has been classified as Uncertain Significance.